The following is an entry in ClinVar:

ClinVar aggregate classification (germline): Uncertain significance. Review status: criteria provided, multiple submitters, no conflicts (2 of 4 stars). 2 submissions from 2 submitters: Uncertain significance (2). Last evaluated 2025-06-17.

Conditions:
ANKRD1-related dilated cardiomyopathy. Identifiers: MedGen CN119551.
Cardiovascular phenotype. Identifiers: MedGen CN230736.

gnomAD v4.1: 2 of 1,610,528 alleles (0.00012%); highest among the groups gnomAD compares: East Asian, 0.0045%; no homozygotes.

Submissions (2):

Labcorp Genetics (formerly Invitae), Labcorp
Classification: Uncertain significance for ANKRD1-related dilated cardiomyopathy. Last evaluated: 2025-06-17. Review status: criteria provided, single submitter. Criteria: Invitae Variant Classification Sherloc (09022015). Collection method: clinical testing. Allele origin: germline.
Comment: This sequence change replaces leucine, which is neutral and non-polar, with histidine, which is basic and polar, at codon 87 of the ANKRD1 protein (p.Leu87His). This variant is present in population databases (rs765783499, gnomAD 0.01%). This variant has not been reported in the literature in individuals affected with ANKRD1-related conditions. ClinVar contains an entry for this variant (Variation ID: 3296225). Invitae Evidence Modeling of protein sequence and biophysical properties (such as structural, functional, and spatial information, amino acid conservation, physicochemical variation, residue mobility, and thermodynamic stability) indicates that this missense variant is not expected to disrupt ANKRD1 protein function with a negative predictive value of 80%. In summary, the available evidence is currently insufficient to determine the role of this variant in disease. Therefore, it has been classified as a Variant of Uncertain Significance.

Ambry Genetics
Classification: Uncertain significance for Cardiovascular phenotype. Last evaluated: 2024-03-15. Review status: criteria provided, single submitter. Criteria: Ambry Variant Classification Scheme 2023. Collection method: clinical testing. Allele origin: germline.

NM_014391.3(ANKRD1):c.260T>A (p.Leu87His)

Gene: ANKRD1 (ankyrin repeat domain 1; minus strand). Cytogenetic location: 10q23.31.
Variant type: single nucleotide variant.
Coding change: c.260T>A on transcript NM_014391.3 (MANE Select); coding-DNA position 260, T replaced by A.
Protein change: p.Leu87His; replaces leucine 87 with histidine.
Molecular consequence: missense variant.
Genome position (GRCh38, 1-based): chr10:90,919,216, A>T on the plus strand (T>A on the coding strand, the complement: ANKRD1 is on the minus strand). VCF-style: chr10-90919216-A-T. GRCh37 (hg19) VCF-style: chr10-92678973-A-T.
Other names: short protein forms L87H.
Identifiers: ClinVar variation 3296225 (VCV003296225.2).